The following is an entry in ClinVar:

NM_015107.3(PHF8):c.2614G>A (p.Gly872Ser)

Gene: PHF8 (PHD finger protein 8; minus strand). Cytogenetic location: Xp11.22.
Variant type: single nucleotide variant.
Coding change: c.2614G>A on transcript NM_015107.3 (MANE Select); coding-DNA position 2614, G replaced by A.
Protein change: p.Gly872Ser; replaces glycine 872 with serine.
Molecular consequence: missense variant.
Genome position (GRCh38, 1-based): chrX:53,944,169, C>T on the plus strand (G>A on the coding strand, the complement: PHF8 is on the minus strand). VCF-style: chrX-53944169-C-T. GRCh37 (hg19) VCF-style: chrX-53970602-C-T.
Other names: c.2722G>A, p.Gly908Ser (NM_001184896.1); c.2311G>A, p.Gly771Ser (NM_001184897.2); c.2563G>A, p.Gly855Ser (NM_001184898.2); short protein forms G771S, G855S, G872S, G908S.
Identifiers: ClinVar variation 3340615 (VCV003340615.1).

ClinVar aggregate classification (germline): Uncertain significance (1 of 4 stars; one submission).

Submission:

GeneDx
Classification: Uncertain significance. Last evaluated: 2024-02-09. Review status: criteria provided, single submitter. Criteria: GeneDx Variant Classification Process June 2021. Collection method: clinical testing. Allele origin: germline. Affected: yes.
Comment: Not observed at significant frequency in large population cohorts (gnomAD); In silico analysis supports that this missense variant has a deleterious effect on protein structure/function; Has not been previously published as pathogenic or benign to our knowledge